The following is an entry in ClinVar:

NM_006017.3(PROM1):c.199C>G (p.Gln67Glu)

Gene: PROM1 (prominin 1; minus strand). Cytogenetic location: 4p15.32.
Variant type: single nucleotide variant.
Coding change: c.199C>G on transcript NM_006017.3 (MANE Select); coding-DNA position 199, C replaced by G.
Protein change: p.Gln67Glu; replaces glutamine 67 with glutamic acid.
Molecular consequence: missense variant.
Genome position (GRCh38, 1-based): chr4:16,075,708, G>C on the plus strand (C>G on the coding strand, the complement: PROM1 is on the minus strand). VCF-style: chr4-16075708-G-C. GRCh37 (hg19) VCF-style: chr4-16077331-G-C.
Other names: c.199C>G (NM_006017.2); c.199C>G, p.Gln67Glu (NM_001145847.2, NM_001145848.2, NM_001145849.2 and 6 more transcripts); short protein forms Q67E.
Identifiers: ClinVar variation 1482497 (VCV001482497.7), dbSNP rs751460221, ClinGen allele CA2867173.

ClinVar aggregate classification (germline): Uncertain significance. Review status: criteria provided, multiple submitters, no conflicts (2 of 4 stars). 2 submissions from 2 submitters: Uncertain significance (2). Last evaluated 2025-11-03.

Conditions:
Inborn genetic diseases. Identifiers: MedGen C0950123, MeSH D030342.

Allele frequency attached by ClinVar (database versions not stated): gnomAD exomes 0.00002 and below 0.00001; ExAC 0.00001.
gnomAD v4.1: 5 of 1,613,202 alleles (0.00031%); highest among the groups gnomAD compares: East Asian, 0.0089%; no homozygotes.

Submissions (2):

Labcorp Genetics (formerly Invitae), Labcorp
Classification: Uncertain significance. Last evaluated: 2025-11-03. Review status: criteria provided, single submitter. Criteria: Invitae Variant Classification Sherloc (09022015). Collection method: clinical testing. Allele origin: germline.
Comment: This sequence change replaces glutamine, which is neutral and polar, with glutamic acid, which is acidic and polar, at codon 67 of the PROM1 protein (p.Gln67Glu). This variant is present in population databases (rs751460221, gnomAD 0.03%). This missense change has been observed in individual(s) with cone-rod dystrophy (PMID: 33608557). ClinVar contains an entry for this variant (Variation ID: 1482497). Invitae Evidence Modeling of protein sequence and biophysical properties (such as structural, functional, and spatial information, amino acid conservation, physicochemical variation, residue mobility, and thermodynamic stability) indicates that this missense variant is expected to disrupt PROM1 protein function with a positive predictive value of 80%. In summary, the available evidence is currently insufficient to determine the role of this variant in disease. Therefore, it has been classified as a Variant of Uncertain Significance.

Ambry Genetics
Classification: Uncertain significance for Inborn genetic diseases. Last evaluated: 2024-02-13. Review status: criteria provided, single submitter. Criteria: Ambry Variant Classification Scheme 2023. Collection method: clinical testing. Allele origin: germline.

Literature cited by the submitters: PubMed 33608557 (cited by Labcorp Genetics (formerly Invitae), Labcorp).